The following is an entry in ClinVar:

NM_000051.4(ATM):c.4699G>A (p.Asp1567Asn)

Gene: ATM (ATM serine/threonine kinase; plus strand). Cytogenetic location: 11q22.3.
Variant type: single nucleotide variant.
Coding change: c.4699G>A on transcript NM_000051.4 (MANE Select); coding-DNA position 4699, G replaced by A.
Protein change: p.Asp1567Asn; replaces aspartic acid 1567 with asparagine.
Molecular consequence: missense variant.
Genome position (GRCh38, 1-based): chr11:108,293,400, G>A. VCF-style: chr11-108293400-G-A. GRCh37 (hg19) VCF-style: chr11-108164127-G-A.
Other names: c.4699G>A, p.Asp1567Asn (NM_001351834.2); short protein forms D1567N.
Identifiers: ClinVar variation 231280 (VCV000231280.12), dbSNP rs876659069, ClinGen allele CA10579164.

ClinVar aggregate classification (germline): Uncertain significance. Review status: criteria provided, multiple submitters, no conflicts (2 of 4 stars). 3 submissions from 3 submitters: Uncertain significance (3). Last evaluated 2025-10-26.

Conditions:
Ataxia-telangiectasia syndrome (AT). Also called: Ataxia telangiectasia (A-T); Ataxia-telangiectasia, complementation group E; LOUIS-BAR SYNDROME; Cerebello-oculocutaneous telangiectasia; Immunodeficiency with ataxia telangiectasia; Ataxia-telangiectasia, complementation group D. Identifiers: Orphanet 100, MedGen C0004135, MONDO:0008840, OMIM 208900.
Hereditary cancer-predisposing syndrome. Also called: Hereditary Cancer Syndrome; Neoplastic Syndromes, Hereditary; Tumor predisposition; Hereditary neoplastic syndrome. Identifiers: Orphanet 140162, MedGen C0027672, MeSH D009386, MONDO:0015356.
Familial cancer of breast. Also called: Hereditary breast cancer; hereditary breast carcinoma; BREAST CANCER, FAMILIAL. Identifiers: Orphanet 227535, MedGen C0346153, MONDO:0016419, OMIM 114480. Disease mechanism: loss of function.

Submissions (3):

Labcorp Genetics (formerly Invitae), Labcorp
Classification: Uncertain significance for Ataxia-telangiectasia syndrome. Last evaluated: 2025-10-26. Review status: criteria provided, single submitter. Criteria: Invitae Variant Classification Sherloc (09022015). Collection method: clinical testing. Allele origin: germline.
Comment: This sequence change replaces aspartic acid, which is acidic and polar, with asparagine, which is neutral and polar, at codon 1567 of the ATM protein (p.Asp1567Asn). This variant is not present in population databases (gnomAD no frequency). This variant has not been reported in the literature in individuals affected with ATM-related conditions. ClinVar contains an entry for this variant (Variation ID: 231280). Invitae Evidence Modeling of protein sequence and biophysical properties (such as structural, functional, and spatial information, amino acid conservation, physicochemical variation, residue mobility, and thermodynamic stability) indicates that this missense variant is not expected to disrupt ATM protein function with a negative predictive value of 95%. In summary, the available evidence is currently insufficient to determine the role of this variant in disease. Therefore, it has been classified as a Variant of Uncertain Significance.

Baylor Genetics
Classification: Uncertain significance for Familial cancer of breast. Last evaluated: 2024-01-02. Review status: criteria provided, single submitter. Criteria: ACMG Guidelines, 2015. Collection method: clinical testing. Allele origin: unknown.

Ambry Genetics
Classification: Uncertain significance for Hereditary cancer-predisposing syndrome. Last evaluated: 2022-04-07. Review status: criteria provided, single submitter. Criteria: Ambry Variant Classification Scheme 2023. Collection method: clinical testing. Allele origin: germline.
Comment: The p.D1567N variant (also known as c.4699G>A), located in coding exon 30 of the ATM gene, results from a G to A substitution at nucleotide position 4699. The aspartic acid at codon 1567 is replaced by asparagine, an amino acid with highly similar properties. This amino acid position is well conserved in available vertebrate species. In addition, this alteration is predicted to be tolerated by in silico analysis. Since supporting evidence is limited at this time, the clinical significance of this alteration remains unclear.